The following is an entry in ClinVar:

NM_007194.4(CHEK2):c.1211A>T (p.Tyr404Phe)

Gene: CHEK2 (checkpoint kinase 2; minus strand). Cytogenetic location: 22q12.1.
Variant type: single nucleotide variant.
Coding change: c.1211A>T on transcript NM_007194.4 (MANE Select); coding-DNA position 1211, A replaced by T.
Protein change: p.Tyr404Phe; replaces tyrosine 404 with phenylalanine.
Molecular consequence: missense variant.
Genome position (GRCh38, 1-based): chr22:28,695,758, T>A on the plus strand (A>T on the coding strand, the complement: CHEK2 is on the minus strand). VCF-style: chr22-28695758-T-A. GRCh37 (hg19) VCF-style: chr22-29091746-T-A.
Other names: c.1340A>T, p.Tyr447Phe (NM_001005735.3); c.548A>T, p.Tyr183Phe (NM_001257387.3); c.1010A>T, p.Tyr337Phe (NM_001349956.3); c.1124A>T, p.Tyr375Phe (NM_145862.3); short protein forms Y375F, Y447F, Y183F, Y337F, Y404F.
Identifiers: ClinVar variation 2447083 (VCV002447083.2), dbSNP rs1060502707, ClinGen allele CA411096733.

ClinVar aggregate classification (germline): Uncertain significance (1 of 4 stars; one submission).

Conditions:
Hereditary cancer-predisposing syndrome. Also called: Neoplastic Syndromes, Hereditary; Hereditary Cancer Syndrome; Tumor predisposition; Hereditary neoplastic syndrome. Identifiers: Orphanet 140162, MedGen C0027672, MeSH D009386, MONDO:0015356.

Submission:

Ambry Genetics
Classification: Uncertain significance for Hereditary cancer-predisposing syndrome. Last evaluated: 2022-11-06. Review status: criteria provided, single submitter. Criteria: Ambry Variant Classification Scheme 2023. Collection method: clinical testing. Allele origin: germline.
Comment: The p.Y404F variant (also known as c.1211A>T), located in coding exon 10 of the CHEK2 gene, results from an A to T substitution at nucleotide position 1211. The tyrosine at codon 404 is replaced by phenylalanine, an amino acid with highly similar properties. This amino acid position is conserved. In addition, the in silico prediction for this alteration is inconclusive. Since supporting evidence is limited at this time, the clinical significance of this alteration remains unclear.